The following is an entry in ClinVar:

ClinVar aggregate classification (germline): Pathogenic (1 of 4 stars; one submission).

Conditions:
Cranioectodermal dysplasia 1 (CED1). Also called: LEVIN SYNDROME I. Identifiers: Orphanet 1515, MedGen C0432235, MONDO:0021093, OMIM 218330.

Submission:

Labcorp Genetics (formerly Invitae), Labcorp
Classification: Pathogenic for Cranioectodermal dysplasia 1. Last evaluated: 2024-04-30. Review status: criteria provided, single submitter. Criteria: Invitae Variant Classification Sherloc (09022015). Collection method: clinical testing. Allele origin: germline.
Comment: This sequence change creates a premature translational stop signal (p.Asp1193Glyfs*6) in the IFT122 gene. It is expected to result in an absent or disrupted protein product. Loss-of-function variants in IFT122 are known to be pathogenic (PMID: 20493458, 23826986, 26792575). This variant is not present in population databases (gnomAD no frequency). This variant has not been reported in the literature in individuals affected with IFT122-related conditions. For these reasons, this variant has been classified as Pathogenic.

Literature cited by the submitters: PubMed 20493458; PubMed 23826986; PubMed 26792575.

NM_052989.3(IFT122):c.3422dup (p.Asp1142fs)

Gene: IFT122 (intraflagellar transport 122; plus strand). Cytogenetic location: 3q22.1.
Variant type: Duplication.
Coding change: c.3422dup on transcript NM_052989.3 (MANE Select); coding-DNA position 3422, one base duplicated (A; older notation c.3422dupA).
Protein change: p.Asp1142fs; shifts the reading frame from aspartic acid 1142.
Molecular consequence: frameshift variant.
Genome position (GRCh38, 1-based): chr3:129,519,137, A duplicated; the last of 2 consecutive A bases (chr3:129,519,136-129,519,137); duplicating either gives the same sequence. VCF-style (leftmost placement, unchanged base first): chr3-129519135-C-CA. GRCh37 (hg19) VCF-style: chr3-129237978-C-CA.
Other names: c.3575dup, p.Asp1193fs (NM_052985.4); c.3092dup, p.Asp1032fs (NM_052990.3); c.3401dup, p.Asp1135fs (NM_001280541.2); c.2972dup, p.Asp992fs (NM_001280545.2); c.2795dup, p.Asp933fs (NM_001280546.2); c.3425dup, p.Asp1143fs (NM_001410808.1); c.3368dup, p.Asp1124fs (NM_001410809.1); c.3248dup, p.Asp1084fs (NM_001410810.1); and 5 more; short protein forms D1014fs, D1031fs, D1032fs, D1124fs, D1193fs, D1066fs, D1083fs, D1084fs.
Identifiers: ClinVar variation 3708427 (VCV003708427.2).